The following is an entry in ClinVar:

NM_000090.4(COL3A1):c.3525+5G>A

Gene: COL3A1 (collagen type III alpha 1 chain; plus strand). Cytogenetic location: 2q32.2.
Variant type: single nucleotide variant.
Coding change: c.3525+5G>A on transcript NM_000090.4 (MANE Select); 5 bases into the intron after coding-DNA position 3525, G replaced by A.
Molecular consequence: intron variant.
Genome position (GRCh38, 1-based): chr2:189,008,147, G>A. VCF-style: chr2-189008147-G-A. GRCh37 (hg19) VCF-style: chr2-189872873-G-A.
Identifiers: ClinVar variation 1171636 (VCV001171636.10), dbSNP rs2153503988, ClinGen allele CA2499215543.

ClinVar aggregate classification (germline): Conflicting classifications of pathogenicity. Review status: criteria provided, conflicting classifications (1 of 4 stars). 5 submissions from 5 submitters: Uncertain significance (4); Likely benign (1). Last evaluated 2026-02-16.

Conditions:
Familial thoracic aortic aneurysm and aortic dissection (TAAD). Also called: Thoracic aortic aneurysms and dissections. Identifiers: Orphanet 91387, MedGen C4707243, MONDO:0019625.
Ehlers-Danlos syndrome, type 4 (EDSVASC). Also called: Ehlers-Danlos syndrome vascular type; Ehlers Danlos syndrome, ecchymotic type; Ehlers Danlos syndrome, arterial type; Ehlers Danlos syndrome, Sack-Barabas type; Ehlers-Danlos Syndrome Type IV. Identifiers: Orphanet 286, MedGen C0268338, MONDO:0017314, OMIM 130050.
COL3A1-related disorder. Also called: COL3A1-related condition.
Polymicrogyria with or without vascular-type Ehlers-Danlos syndrome. Identifiers: Orphanet 636941, MedGen C5193040, MONDO:0032688, OMIM 618343.

gnomAD v4.1: 1 of 1,606,904 alleles (0.000062%); highest among the groups gnomAD compares: Admixed American, 0.0017%; no homozygotes.

Submissions (5):

PreventionGenetics, part of Exact Sciences
Classification: Uncertain significance for COL3A1-related condition. Last evaluated: 2026-02-16. Review status: criteria provided, single submitter. Criteria: ACMG Guidelines, 2015. Collection method: clinical testing. Allele origin: germline.
Comment: The COL3A1 c.3525+5G>A variant is predicted to interfere with splicing. To our knowledge, this variant has not been reported in the literature or in a large population database (gnomAD), indicating this variant is rare. At this time, the clinical significance of this variant is uncertain due to the absence of conclusive functional and genetic evidence.

3billion
Classification: Likely benign for Polymicrogyria with or without vascular-type Ehlers-Danlos syndrome. Last evaluated: 2024-09-20. Review status: criteria provided, single submitter. Criteria: ACMG Guidelines, 2015. Collection method: clinical testing. Allele origin: germline. Affected: no.
Comment: The homozygous variant was found in patients diagnosed with another variant in a different gene, with no symptoms related to the gene containing the homozygous variant.

All of Us Research Program, National Institutes of Health
Classification: Uncertain significance for Ehlers-Danlos syndrome, type 4. Last evaluated: 2024-04-16. Review status: criteria provided, single submitter. Criteria: ACMG Guidelines, 2015. Collection method: clinical testing. Allele origin: germline. Inheritance: Autosomal dominant inheritance. Observed: 2 variant alleles, 2 heterozygotes.
Comment: This variant causes a G to A nucleotide substitution at the +5 position of intron 47 of the COL3A1 gene. To our knowledge, functional studies have not been reported for this variant. This variant has not been reported in individuals affected with COL3A1-related disorders in the literature. This variant has not been identified in the general population by the Genome Aggregation Database (gnomAD). The available evidence is insufficient to determine the role of this variant in disease conclusively. Therefore, this variant is classified as a Variant of Uncertain Significance.

This study involves interpretation of variants in research participants for the purpose of population health screening. Participant phenotype was not available at the time of variant classification. Additional details can be found in publication PMID: 35346344, PMCID: PMC8962531

Color Diagnostics, LLC DBA Color Health
Classification: Uncertain significance for Familial thoracic aortic aneurysm and aortic dissection. Last evaluated: 2023-04-21. Review status: criteria provided, single submitter. Criteria: ACMG Guidelines, 2015. Collection method: clinical testing. Allele origin: germline.
Comment: This variant causes a G to A nucleotide substitution at the +5 position of intron 47 of the COL3A1 gene. To our knowledge, functional studies have not been reported for this variant. This variant has not been reported in individuals affected with COL3A1-related disorders in the literature. This variant has not been identified in the general population by the Genome Aggregation Database (gnomAD). The available evidence is insufficient to determine the role of this variant in disease conclusively. Therefore, this variant is classified as a Variant of Uncertain Significance.

GeneDx
Classification: Uncertain significance. Last evaluated: 2022-03-09. Review status: criteria provided, single submitter. Criteria: GeneDx Variant Classification Process June 2021. Collection method: clinical testing. Allele origin: germline. Affected: yes.
Comment: Has not been previously published as pathogenic or benign to our knowledge; Not observed at significant frequency in large population cohorts (gnomAD); In silico analysis suggests this variant may impact gene splicing. In the absence of RNA/functional studies, the actual effect of this sequence change is unknown.